The following is an entry in ClinVar:

NM_001429.4(EP300):c.6097T>C (p.Leu2033=)

Gene: EP300 (EP300 lysine acetyltransferase; plus strand). Cytogenetic location: 22q13.2.
Variant type: single nucleotide variant.
Coding change: c.6097T>C on transcript NM_001429.4 (MANE Select); coding-DNA position 6097, T replaced by C.
Protein change: p.Leu2033=; no amino-acid change (leucine 2033 retained).
Molecular consequence: synonymous variant.
Genome position (GRCh38, 1-based): chr22:41,177,808, T>C. VCF-style: chr22-41177808-T-C. GRCh37 (hg19) VCF-style: chr22-41573812-T-C.
Other names: c.6019T>C, p.Leu2007= (NM_001362843.2).
Identifiers: ClinVar variation 3389030 (VCV003389030.14).

ClinVar aggregate classification (germline): Likely benign (1 of 4 stars; one submission).

gnomAD v4.1: 1 of 1,613,936 alleles (0.000062%); no homozygotes.

Submission:

CeGaT Center for Human Genetics Tuebingen
Classification: Likely benign. Last evaluated: 2024-09-01. Review status: criteria provided, single submitter. Criteria: CeGaT Center For Human Genetics Tuebingen Variant Classification Criteria Version 2. Collection method: clinical testing. Allele origin: germline. Affected: yes. Observed: 1 variant allele.
Comment: EP300: BP4, BP7